The following is an entry in ClinVar:

ClinVar aggregate classification (germline): Uncertain significance. Review status: criteria provided, multiple submitters, no conflicts (2 of 4 stars). 2 submissions from 2 submitters: Uncertain significance (2). Last evaluated 2023-02-25.

Conditions:
Hereditary cancer-predisposing syndrome. Also called: Neoplastic Syndromes, Hereditary; Hereditary Cancer Syndrome; Tumor predisposition; Hereditary neoplastic syndrome. Identifiers: Orphanet 140162, MedGen C0027672, MeSH D009386, MONDO:0015356.

Submissions (2):

Ambry Genetics
Classification: Uncertain significance for Hereditary cancer-predisposing syndrome. Last evaluated: 2023-02-25. Review status: criteria provided, single submitter. Criteria: Ambry Variant Classification Scheme 2023. Collection method: clinical testing. Allele origin: germline.
Comment: The p.A1007G variant (also known as c.3020C>G), located in coding exon 25 of the POLE gene, results from a C to G substitution at nucleotide position 3020. The alanine at codon 1007 is replaced by glycine, an amino acid with similar properties. This amino acid position is conserved. In addition, the in silico prediction for this alteration is inconclusive. Since supporting evidence is limited at this time, the clinical significance of this alteration remains unclear.

Labcorp Genetics (formerly Invitae), Labcorp
Classification: Uncertain significance. Last evaluated: 2022-07-26. Review status: criteria provided, single submitter. Criteria: Invitae Variant Classification Sherloc (09022015). Collection method: clinical testing. Allele origin: germline.
Comment: This variant has not been reported in the literature in individuals affected with POLE-related conditions. In summary, the available evidence is currently insufficient to determine the role of this variant in disease. Therefore, it has been classified as a Variant of Uncertain Significance. Algorithms developed to predict the effect of missense changes on protein structure and function (SIFT, PolyPhen-2, Align-GVGD) all suggest that this variant is likely to be disruptive. ClinVar contains an entry for this variant (Variation ID: 1040007). This variant is not present in population databases (gnomAD no frequency). This sequence change replaces alanine, which is neutral and non-polar, with glycine, which is neutral and non-polar, at codon 1007 of the POLE protein (p.Ala1007Gly).

NM_006231.4(POLE):c.3020C>G (p.Ala1007Gly)

Gene: POLE (DNA polymerase epsilon, catalytic subunit; minus strand). Cytogenetic location: 12q24.33.
Variant type: single nucleotide variant.
Coding change: c.3020C>G on transcript NM_006231.4 (MANE Select); coding-DNA position 3020, C replaced by G.
Protein change: p.Ala1007Gly; replaces alanine 1007 with glycine.
Molecular consequence: missense variant.
Genome position (GRCh38, 1-based): chr12:132,661,009, G>C on the plus strand (C>G on the coding strand, the complement: POLE is on the minus strand). VCF-style: chr12-132661009-G-C. GRCh37 (hg19) VCF-style: chr12-133237595-G-C.
Other names: c.3020C>G (NM_006231.2); short protein forms A1007G.
Identifiers: ClinVar variation 1040007 (VCV001040007.8), dbSNP rs2042666340, ClinGen allele CA387392271.
Genomic context (GRCh38, chr12:132,661,009, plus strand): 5'-GGTGGAGGGTAGGCCTTTACCTTGCTGTACAGCACGTCCAGCCAGTAGTCAGCCACCTTG[G>C]CTACAGAGCCATACACCTCTTCCAGCGTGCTGCCCTTGAGGAAGGCCTCAAACACCGAGG-3'
Protein context (NP_006222.2, residues 997-1017): STLEEVYGSV[Ala1007Gly]KVADYWLDVL